The following is an entry in ClinVar:

NM_006180.6(NTRK2):c.287+6T>G

Gene: NTRK2 (neurotrophic receptor tyrosine kinase 2; plus strand). Cytogenetic location: 9q21.33.
Variant type: single nucleotide variant.
Coding change: c.287+6T>G on transcript NM_006180.6 (MANE Select); 6 bases into the intron after coding-DNA position 287, T replaced by G.
Molecular consequence: intron variant.
Genome position (GRCh38, 1-based): chr9:84,702,239, T>G. VCF-style: chr9-84702239-T-G. GRCh37 (hg19) VCF-style: chr9-87317154-T-G.
Other names: c.287+6T>G (NM_001369532.1, NM_001369533.1, NM_001018066.3 and 18 more transcripts); c.-182+6T>G (NM_001369536.1, NM_001369535.1, NM_001369550.1 and 1 more transcripts).
Identifiers: ClinVar variation 4991339 (VCV004991339.1).
Genomic context (GRCh38, chr9:84,702,239, plus strand): 5'-GGTTAGAAATCATCAACGAAGATGATGTTGAAGCTTATGTGGGACTGAGAAATCTGTGAG[T>G]ACTCAGGACCAGGGCACATTATCTCAGAGAATTTTCCTGTTGTCTGCTCTGGTCAGGCAG-3'

ClinVar aggregate classification (germline): Uncertain significance (1 of 4 stars; one submission).

Conditions:
NTRK2-related disorder. Also called: NTRK2-related condition.

Submission:

PreventionGenetics, part of Exact Sciences
Classification: Uncertain significance for NTRK2-related condition. Last evaluated: 2026-07-30. Review status: criteria provided, single submitter. Criteria: ACMG Guidelines, 2015. Collection method: clinical testing. Allele origin: germline.
Comment: The NTRK2 c.287+6T>G variant is predicted to interfere with splicing. To our knowledge, this variant has not been reported in the literature or in a large population database (gnomAD), indicating this variant is rare. This variant is predicted to alter splicing based on available splicing prediction programs (SpliceAI, Jaganathan et al. 2019. PubMed ID: 30661751). However, the use of computer prediction programs is not equivalent to functional evidence. Although we suspect that this variant may be pathogenic, at this time, the clinical significance of this variant is uncertain due to the absence of conclusive functional and genetic evidence.